The following is an entry in ClinVar:

NM_005876.5(SPEG):c.5863A>G (p.Thr1955Ala)

Genes: ASIC4-AS1 (ASIC4 antisense RNA 1; minus strand), SPEG (striated muscle enriched protein kinase; plus strand). Cytogenetic location: 2q35.
Variant type: single nucleotide variant.
Coding change: c.5863A>G on transcript NM_005876.5 (MANE Select); coding-DNA position 5863, A replaced by G.
Protein change: p.Thr1955Ala; replaces threonine 1955 with alanine.
Molecular consequence: missense variant.
Genome position (GRCh38, 1-based): chr2:219,483,326, A>G. VCF-style: chr2-219483326-A-G. GRCh37 (hg19) VCF-style: chr2-220348048-A-G.
Other names: short protein forms T1955A.
Identifiers: ClinVar variation 1490114 (VCV001490114.6), dbSNP rs963719779, ClinGen allele CA65990245.

ClinVar aggregate classification (germline): Uncertain significance (1 of 4 stars; one submission).

Allele frequency attached by ClinVar (database versions not stated): gnomAD exomes below 0.00001; gnomAD 0.00001 and 0.00002; TOPMed 0.00003.

Submission:

Labcorp Genetics (formerly Invitae), Labcorp
Classification: Uncertain significance. Last evaluated: 2021-10-31. Review status: criteria provided, single submitter. Criteria: Invitae Variant Classification Sherloc (09022015). Collection method: clinical testing. Allele origin: germline.
Comment: In summary, the available evidence is currently insufficient to determine the role of this variant in disease. Therefore, it has been classified as a Variant of Uncertain Significance. Algorithms developed to predict the effect of missense changes on protein structure and function are either unavailable or do not agree on the potential impact of this missense change (SIFT: "Tolerated"; PolyPhen-2: "Possibly Damaging"; Align-GVGD: "Class C0"). This variant has not been reported in the literature in individuals affected with SPEG-related conditions. The frequency data for this variant in the population databases is considered unreliable, as metrics indicate poor data quality at this position in the gnomAD database. This sequence change replaces threonine, which is neutral and polar, with alanine, which is neutral and non-polar, at codon 1955 of the SPEG protein (p.Thr1955Ala).